The following is an entry in ClinVar:

NM_198525.3(KIF7):c.796G>C (p.Gly266Arg)

Gene: KIF7 (kinesin family member 7; minus strand). Cytogenetic location: 15q26.1.
Variant type: single nucleotide variant.
Coding change: c.796G>C on transcript NM_198525.3 (MANE Select); coding-DNA position 796, G replaced by C.
Protein change: p.Gly266Arg; replaces glycine 266 with arginine.
Molecular consequence: missense variant.
Genome position (GRCh38, 1-based): chr15:89,649,101, C>G on the plus strand (G>C on the coding strand, the complement: KIF7 is on the minus strand). VCF-style: chr15-89649101-C-G. GRCh37 (hg19) VCF-style: chr15-90192332-C-G.
Other names: short protein forms G266R.
Identifiers: ClinVar variation 1984499 (VCV001984499.4), dbSNP rs939728328, ClinGen allele CA393774650.

ClinVar aggregate classification (germline): Uncertain significance (1 of 4 stars; one submission).

Conditions:
Acrocallosal syndrome (ACLS). Also called: Schinzel syndrome 1; Absence of corpus callosum with unusual facial appearance, mental deficiency, duplication of the halluces and polydactyly; HALLUX DUPLICATION, POSTAXIAL POLYDACTYLY, AND ABSENCE OF CORPUS CALLOSUM. Identifiers: Orphanet 36, MedGen C0796147, MONDO:0008708, OMIM 200990.

Submission:

Labcorp Genetics (formerly Invitae), Labcorp
Classification: Uncertain significance for Acrocallosal syndrome. Last evaluated: 2022-06-14. Review status: criteria provided, single submitter. Criteria: Invitae Variant Classification Sherloc (09022015). Collection method: clinical testing. Allele origin: germline.
Comment: In summary, the available evidence is currently insufficient to determine the role of this variant in disease. Therefore, it has been classified as a Variant of Uncertain Significance. Algorithms developed to predict the effect of missense changes on protein structure and function are either unavailable or do not agree on the potential impact of this missense change (SIFT: "Deleterious"; PolyPhen-2: "Probably Damaging"; Align-GVGD: "Class C0"). This variant has not been reported in the literature in individuals affected with KIF7-related conditions. This variant is not present in population databases (gnomAD no frequency). This sequence change replaces glycine, which is neutral and non-polar, with arginine, which is basic and polar, at codon 266 of the KIF7 protein (p.Gly266Arg).